The following is an entry in ClinVar:

NM_001297595.2(SIN3B):c.3187C>T (p.His1063Tyr)

Gene: SIN3B (SIN3 transcription regulator family member B; plus strand). Cytogenetic location: 19p13.11.
Variant type: single nucleotide variant.
Coding change: c.3187C>T on transcript NM_001297595.2 (MANE Select); coding-DNA position 3187, C replaced by T.
Protein change: p.His1063Tyr; replaces histidine 1063 with tyrosine.
Molecular consequence: missense variant.
Genome position (GRCh38, 1-based): chr19:16,878,521, C>T. VCF-style: chr19-16878521-C-T. GRCh37 (hg19) VCF-style: chr19-16989332-C-T.
Other names: c.1957C>T, p.His653Tyr (NM_001297597.2); c.3283C>T, p.His1095Tyr (NM_015260.4); short protein forms H1063Y, H1095Y, H653Y.
Identifiers: ClinVar variation 4538830 (VCV004538830.1).
Genomic context (GRCh38, chr19:16,878,521, plus strand): 5'-GCCCTCAGCTGCCCTGACACCCGGCCTCTTCAACAGGTGCAGCCCCTGGTCCTGCTCCGC[C>T]ACCACCAGCACTTTGAGGAGTGGCACAGCCGCTGGCTGGAGGACAATGTGACGGTGGAGG-3'
Protein context (NP_001284524.1, residues 1053-1073): KQVQPLVLLR[His1063Tyr]HQHFEEWHSR

ClinVar aggregate classification (germline): Uncertain significance (1 of 4 stars; one submission).

gnomAD v4.1: 3 of 1,586,862 alleles (0.00019%); highest among the groups gnomAD compares: Non-Finnish European, 0.00026%; no homozygotes.

Submission:

GeneDx
Classification: Uncertain significance. Last evaluated: 2025-06-16. Review status: criteria provided, single submitter. Criteria: GeneDx Variant Classification Process June 2021. Collection method: clinical testing. Allele origin: germline. Affected: yes.
Comment: Not observed at significant frequency in large population cohorts (gnomAD); In silico analysis suggests that this missense variant does not alter protein structure/function; Has not been previously published as pathogenic or benign to our knowledge